The following is an entry in ClinVar:

NM_020207.7(ERCC6L2):c.1970G>A (p.Gly657Glu)

Gene: ERCC6L2 (ERCC excision repair 6 like 2; plus strand). Cytogenetic location: 9q22.32.
Variant type: single nucleotide variant.
Coding change: c.1970G>A on transcript NM_020207.7 (MANE Select); coding-DNA position 1970, G replaced by A.
Protein change: p.Gly657Glu; replaces glycine 657 with glutamic acid.
Molecular consequence: missense variant. On other transcripts: non-coding transcript variant (1).
Genome position (GRCh38, 1-based): chr9:95,966,584, G>A. VCF-style: chr9-95966584-G-A. GRCh37 (hg19) VCF-style: chr9-98728866-G-A.
Other names: c.1970G>A, p.Gly657Glu (NM_001010895.4, NM_001375291.1, NM_001375292.1 and 2 more transcripts); short protein forms G657E.
Identifiers: ClinVar variation 3723228 (VCV003723228.3).
Genomic context (GRCh38, chr9:95,966,584, plus strand): 5'-AAACACTTCAAAAATGTCTTGTGTTTTTTCTGTTTTAGCAACTTCACTGTGTGGTGGTTG[G>A]AAGTGAAAATGCCAAACGATATTTTGAAGCAGTTCAAGGATCTAAAGAGCATCAAGGAGA-3'
Protein context (NP_064592.3, residues 647-667): YKQQLHCVVV[Gly657Glu]SENAKRYFEA

ClinVar aggregate classification (germline): Uncertain significance. Review status: criteria provided, multiple submitters, no conflicts (2 of 4 stars). 2 submissions from 2 submitters: Uncertain significance (2). Last evaluated 2025-08-04.

Conditions:
Inborn genetic diseases. Identifiers: MedGen C0950123, MeSH D030342.

Submissions (2):

Ambry Genetics
Classification: Uncertain significance for Inborn genetic diseases. Last evaluated: 2025-08-04. Review status: criteria provided, single submitter. Criteria: Ambry Variant Classification Scheme 2023. Collection method: clinical testing. Allele origin: germline.
Comment: The p.G657E variant (also known as c.1970G>A), located in coding exon 14 of the ERCC6L2 gene, results from a G to A substitution at nucleotide position 1970. The glycine at codon 657 is replaced by glutamic acid, an amino acid with similar properties. This amino acid position is conserved. In addition, this alteration is predicted to be deleterious by in silico analysis. Based on the available evidence, the clinical significance of this variant remains unclear.

Labcorp Genetics (formerly Invitae), Labcorp
Classification: Uncertain significance. Last evaluated: 2024-10-17. Review status: criteria provided, single submitter. Criteria: Invitae Variant Classification Sherloc (09022015). Collection method: clinical testing. Allele origin: germline.
Comment: This sequence change replaces glycine, which is neutral and non-polar, with glutamic acid, which is acidic and polar, at codon 668 of the ERCC6L2 protein (p.Gly668Glu). This variant is not present in population databases (gnomAD no frequency). This variant has not been reported in the literature in individuals affected with ERCC6L2-related conditions. Experimental studies and prediction algorithms are not available or were not evaluated, and the functional significance of this variant is currently unknown. In summary, the available evidence is currently insufficient to determine the role of this variant in disease. Therefore, it has been classified as a Variant of Uncertain Significance.